The following is an entry in ClinVar:

ClinVar aggregate classification (germline): Conflicting classifications of pathogenicity. Review status: criteria provided, conflicting classifications (1 of 4 stars). 2 submissions from 2 submitters: Uncertain significance (1); Likely benign (1). Last evaluated 2025-09-02.

Conditions:
Medulloblastoma (MDB). Also called: MEDULLOBLASTOMA PREDISPOSITION SYNDROME; Medulloblastoma, somatic. Identifiers: Orphanet 616, MedGen C0025149, MeSH D008527, MONDO:0007959, OMIM 155255, HP:0002885.
Gorlin syndrome. Also called: Nevoid Basal Cell Carcinoma Syndrome; Basal cell nevus syndrome. Identifiers: Orphanet 377, MedGen C0004779, MONDO:0007187.

Submissions (2):

Quest Diagnostics Nichols Institute San Juan Capistrano
Classification: Uncertain significance. Last evaluated: 2025-09-02. Review status: criteria provided, single submitter. Criteria: Quest Diagnostics criteria. Collection method: clinical testing. Allele origin: unknown.
Comment: The SUFU c.683+10del variant has not been reported in individuals with SUFU-related conditions in the published literature. This variant has not been reported in large, multi-ethnic general populations (Genome Aggregation Database). Analysis of this variant using software algorithms for the prediction of the effect of nucleotide changes on splicing yielded predictions that this variant does not affect SUFU mRNA splicing. Based on the available information, we are unable to determine the clinical significance of this variant.

Labcorp Genetics (formerly Invitae), Labcorp
Classification: Likely benign for Gorlin syndrome; Medulloblastoma. Last evaluated: 2025-01-14. Review status: criteria provided, single submitter. Criteria: Invitae Variant Classification Sherloc (09022015). Collection method: clinical testing. Allele origin: germline.

NM_016169.4(SUFU):c.683+10del

Gene: SUFU (SUFU negative regulator of hedgehog signaling; plus strand). Cytogenetic location: 10q24.32.
Variant type: Deletion.
Coding change: c.683+10del on transcript NM_016169.4 (MANE Select); 10 bases into the intron after coding-DNA position 683, one base deleted (C; older notation c.683+10delC).
Molecular consequence: intron variant.
Genome position (GRCh38, 1-based): chr10:102,593,731, C deleted; the last of 3 consecutive C bases (chr10:102,593,729-102,593,731); deleting any one gives the same sequence. VCF-style (leftmost placement, unchanged base first): chr10-102593728-AC-A. GRCh37 (hg19) VCF-style: chr10-104353485-AC-A.
Other names: c.683+10del (NM_016169.3, NM_001178133.2).
Identifiers: ClinVar variation 2928090 (VCV002928090.4), dbSNP rs2545085136, ClinGen allele CA2740093526.